The following is an entry in ClinVar:

ClinVar aggregate classification (germline): Conflicting classifications of pathogenicity. Review status: criteria provided, conflicting classifications (1 of 4 stars). 9 submissions from 7 submitters: Uncertain significance (2); Likely benign (7). Last evaluated 2025-09-21.

Conditions:
Hereditary spherocytosis type 3. Also called: SPTA1-Related Spherocytosis; Spherocytosis type 3. Identifiers: Orphanet 822, MedGen C2678338, MONDO:0010053, OMIM 270970.
Elliptocytosis 2 (EL2). Also called: ELLIPTOCYTOSIS, RHESUS-UNLINKED TYPE. Identifiers: Orphanet 288, MedGen C1851741, MONDO:0007533, OMIM 130600.
Pyropoikilocytosis, hereditary. Also called: Pyropoikilocytosis. Identifiers: MedGen C0520739, MONDO:0009948, OMIM 266140, HP:0004839. Disease mechanism: loss of function.

Allele frequency attached by ClinVar (database versions not stated): gnomAD exomes 0.00031 and 0.00041; gnomAD 0.00034 and 0.00049; 1000 Genomes Project 0.00040; 1000 Genomes Project 30x 0.00047; ExAC 0.00051; ESP Exome Variant Server 0.00057; TOPMed 0.00061.
gnomAD v4.1: 523 of 1,613,982 alleles (0.032%); highest among the groups gnomAD compares: Admixed American, 0.082%; 1 homozygote.

Submissions (9):

Labcorp Genetics (formerly Invitae), Labcorp
Classification: Likely benign. Last evaluated: 2025-09-21. Review status: criteria provided, single submitter. Criteria: Invitae Variant Classification Sherloc (09022015). Collection method: clinical testing. Allele origin: germline.

CeGaT Center for Human Genetics Tuebingen
Classification: Likely benign. Last evaluated: 2025-07-01. Review status: criteria provided, single submitter. Criteria: CeGaT Center For Human Genetics Tuebingen Variant Classification Criteria Version 2. Collection method: clinical testing. Allele origin: germline. Affected: yes. Observed: 1 variant allele.
Comment: SPTA1: BP4, BP7

Mayo Clinic Laboratories, Mayo Clinic
Classification: Likely benign. Last evaluated: 2025-06-11. Review status: criteria provided, single submitter. Criteria: ACMG Guidelines, 2015. Collection method: clinical testing. Allele origin: germline. Observed: 1 variant allele.
Comment: BP4, BP7

Blueprint Genetics
Classification: Likely benign. Last evaluated: 2024-10-15. Review status: criteria provided, single submitter. Criteria: ACMG Guidelines, 2015. Collection method: clinical testing. Allele origin: germline.

ARUP Laboratories, Molecular Genetics and Genomics, ARUP Laboratories
Classification: Likely benign. Last evaluated: 2023-02-22. Review status: criteria provided, single submitter. Criteria: ARUP Molecular Germline Variant Investigation Process 2024. Collection method: clinical testing. Allele origin: germline.

Illumina Laboratory Services, Illumina
Classification: Uncertain significance for Hereditary spherocytosis type 3. Last evaluated: 2018-01-12. Review status: criteria provided, single submitter. Criteria: ICSL Variant Classification Criteria 13 December 2019. Collection method: clinical testing. Allele origin: germline.

Illumina Laboratory Services, Illumina
Classification: Likely benign for Elliptocytosis 2. Last evaluated: 2018-01-12. Review status: criteria provided, single submitter. Criteria: ICSL Variant Classification Criteria 13 December 2019. Collection method: clinical testing. Allele origin: germline.
Comment: This variant was observed in the ICSL laboratory as part of a predisposition screen in an ostensibly healthy population. It had not been previously curated by ICSL or reported in the Human Gene Mutation Database (HGMD: prior to June 1st, 2018), and was therefore a candidate for classification through an automated scoring system. Utilizing variant allele frequency, disease prevalence and penetrance estimates, and inheritance mode, an automated score was calculated to assess if this variant is too frequent to cause the disease. Based on the score and internal cut-off values, a variant classified as likely benign is not then subjected to further curation. The score for this variant resulted in a classification of likely benign for this disease.

Illumina Laboratory Services, Illumina
Classification: Uncertain significance for Pyropoikilocytosis, hereditary. Last evaluated: 2018-01-12. Review status: criteria provided, single submitter. Criteria: ICSL Variant Classification Criteria 13 December 2019. Collection method: clinical testing. Allele origin: germline.

PreventionGenetics, part of Exact Sciences
Classification: Likely benign. Review status: criteria provided, single submitter. Criteria: ACMG Guidelines, 2015. Collection method: clinical testing. Allele origin: germline.

NM_003126.4(SPTA1):c.3960C>T (p.Asp1320=)

Gene: SPTA1 (spectrin alpha, erythrocytic 1; minus strand). Cytogenetic location: 1q23.1.
Variant type: single nucleotide variant.
Coding change: c.3960C>T on transcript NM_003126.4 (MANE Select); coding-DNA position 3960, C replaced by T.
Protein change: p.Asp1320=; no amino-acid change (aspartic acid 1320 retained).
Molecular consequence: synonymous variant.
Genome position (GRCh38, 1-based): chr1:158,645,531, G>A on the plus strand (C>T on the coding strand, the complement: SPTA1 is on the minus strand). VCF-style: chr1-158645531-G-A. GRCh37 (hg19) VCF-style: chr1-158615321-G-A.
Other names: p.Asp1320=.
Identifiers: ClinVar variation 258933 (VCV000258933.28), dbSNP rs186415745, ClinGen allele CA1182879.
Genomic context (GRCh38, chr1:158,645,531, plus strand): 5'-TGGCTGTGACTTTTGTAGTTTTACCTGATGTCTCTCCAGCAAGATCTCTATGCCAGTTAA[G>A]TCTTCGGCCAGCTCCTGTGATGATACCATGCCACCAATGCTACTGATCCAGTTCTGCAGA-3'
Protein context (NP_003117.2, residues 1310-1330): GMVSSQELAE[Asp1320=]LTGIEILLER